The following is an entry in ClinVar:

ClinVar aggregate classification (germline): Uncertain significance (1 of 4 stars; one submission).

Conditions:
Carney complex, type 1 (CNC1). Also called: CARNEY COMPLEX, TYPE I; CARNEY MYXOMA-ENDOCRINE COMPLEX. Identifiers: Orphanet 1359, MedGen C2607929, MONDO:0008057, OMIM 160980.

Submission:

Labcorp Genetics (formerly Invitae), Labcorp
Classification: Uncertain significance for Carney complex, type 1. Last evaluated: 2022-12-24. Review status: criteria provided, single submitter. Criteria: Invitae Variant Classification Sherloc (09022015). Collection method: clinical testing. Allele origin: germline.
Comment: This variant has not been reported in the literature in individuals affected with PRKAR1A-related conditions. This variant is not present in population databases (gnomAD no frequency). This sequence change replaces glutamine, which is neutral and polar, with histidine, which is basic and polar, at codon 275 of the PRKAR1A protein (p.Gln275His). Advanced modeling of protein sequence and biophysical properties (such as structural, functional, and spatial information, amino acid conservation, physicochemical variation, residue mobility, and thermodynamic stability) performed at Invitae indicates that this missense variant is not expected to disrupt PRKAR1A protein function. In summary, the available evidence is currently insufficient to determine the role of this variant in disease. Therefore, it has been classified as a Variant of Uncertain Significance.

NM_002734.5(PRKAR1A):c.825G>T (p.Gln275His)

Gene: PRKAR1A (protein kinase cAMP-dependent type I regulatory subunit alpha; plus strand). Cytogenetic location: 17q24.2.
Variant type: single nucleotide variant.
Coding change: c.825G>T on transcript NM_002734.5 (MANE Select); coding-DNA position 825, G replaced by T.
Protein change: p.Gln275His; replaces glutamine 275 with histidine.
Molecular consequence: missense variant.
Genome position (GRCh38, 1-based): chr17:68,528,925, G>T. VCF-style: chr17-68528925-G-T. GRCh37 (hg19) VCF-style: chr17-66525066-G-T.
Other names: c.825G>T, p.Gln275His (NM_001276289.2, NM_001276290.1, NM_001278433.2 and 4 more transcripts); short protein forms Q275H.
Identifiers: ClinVar variation 2889863 (VCV002889863.3), dbSNP rs1267422534, ClinGen allele CA400753902.